The following is an entry in ClinVar:

NM_001367805.3(KIF23):c.2552A>G (p.His851Arg)

Gene: KIF23 (kinesin family member 23; plus strand). Cytogenetic location: 15q23.
Variant type: single nucleotide variant.
Coding change: c.2552A>G on transcript NM_001367805.3 (MANE Select); coding-DNA position 2552, A replaced by G.
Protein change: p.His851Arg; replaces histidine 851 with arginine.
Molecular consequence: missense variant. On other transcripts: non-coding transcript variant (2), intron variant (1).
Genome position (GRCh38, 1-based): chr15:69,444,920, A>G. VCF-style: chr15-69444920-A-G. GRCh37 (hg19) VCF-style: chr15-69737259-A-G.
Other names: c.2510A>G, p.His837Arg (NM_001367804.2, NM_138555.4); c.2198A>G, p.His733Arg (NM_004856.7); c.2050-1089A>G (NM_001281301.2); short protein forms H733R, H851R, H837R.
Identifiers: ClinVar variation 1904849 (VCV001904849.5), dbSNP rs911762845, ClinGen allele CA272500676.

ClinVar aggregate classification (germline): Uncertain significance (1 of 4 stars; one submission).

Allele frequency attached by ClinVar (database versions not stated): gnomAD 0.00001; TOPMed 0.00002.
gnomAD v4.1: 6 of 1,614,060 alleles (0.00037%); highest among the groups gnomAD compares: African/African-American, 0.0013%; no homozygotes.

Submission:

Labcorp Genetics (formerly Invitae), Labcorp
Classification: Uncertain significance. Last evaluated: 2022-06-22. Review status: criteria provided, single submitter. Criteria: Invitae Variant Classification Sherloc (09022015). Collection method: clinical testing. Allele origin: germline.
Comment: This sequence change replaces histidine, which is basic and polar, with arginine, which is basic and polar, at codon 837 of the KIF23 protein (p.His837Arg). This variant is present in population databases (no rsID available, gnomAD 0.0009%). This variant has not been reported in the literature in individuals affected with KIF23-related conditions. Algorithms developed to predict the effect of missense changes on protein structure and function (SIFT, PolyPhen-2, Align-GVGD) all suggest that this variant is likely to be tolerated. In summary, the available evidence is currently insufficient to determine the role of this variant in disease. Therefore, it has been classified as a Variant of Uncertain Significance.